The following is an entry in ClinVar:

NM_033305.2(VPS13A):c.-181G>A

Genes: VPS13A (vacuolar protein sorting 13 homolog A; plus strand), VPS13A-AS1 (VPS13A antisense RNA 1; minus strand), LOC121331331 (Sharpr-MPRA regulatory region 12012; plus strand). Cytogenetic location: 9q21.2.
Variant type: single nucleotide variant.
Coding change: c.-181G>A on transcript NM_033305.2; 181 bases upstream of the start codon, G replaced by A.
Genome position (GRCh38, 1-based): chr9:77,177,524, G>A. VCF-style: chr9-77177524-G-A. GRCh37 (hg19) VCF-style: chr9-79792440-G-A.
Identifiers: ClinVar variation 367338 (VCV000367338.10), dbSNP rs117488726, ClinGen allele CA10627559.
Genomic context (GRCh38, chr9:77,177,524, plus strand): 5'-CGCGCCCAGGTCTGCGCCGCGCTCCGCCTCCAGCCGCGCGCAGACTTGCGCACGCGTCGT[G>A]AGAGCGACCGCCTCCGTCTCTCGCTGGGCTCGCTAGGGCTGCGCGTTGGGCCAGCGGGGG-3'

ClinVar aggregate classification (germline): Benign. Review status: criteria provided, multiple submitters, no conflicts (2 of 4 stars). 3 submissions from 3 submitters: Benign (3). Last evaluated 2018-08-14.

Conditions:
VPS13A-related neurodegenerative disease. Also called: LEVINE-CRITCHLEY SYNDROME; ACANTHOCYTOSIS WITH NEUROLOGIC DISORDER; VPS13A Disease; Choreoacanthocytosis; Choreaacanthocytosis; Chorea-acanthocytosis. Identifiers: Orphanet 2388, MedGen C0393576, MONDO:0008695, OMIM 200150.

Allele frequency attached by ClinVar (database versions not stated): 1000 Genomes Project 30x 0.07558; 1000 Genomes Project 0.07588; gnomAD 0.10631 and 0.10492; TOPMed 0.10343.

Submissions (3):

GeneDx
Classification: Benign. Last evaluated: 2018-08-14. Review status: criteria provided, single submitter. Criteria: GeneDx Variant Classification Process June 2021. Collection method: clinical testing. Allele origin: germline. Affected: yes.

Illumina Laboratory Services, Illumina
Classification: Benign for VPS13A-related neurodegenerative disease. Last evaluated: 2018-01-13. Review status: criteria provided, single submitter. Criteria: ICSL Variant Classification Criteria 13 December 2019. Collection method: clinical testing. Allele origin: germline.
Comment: This variant was observed in the ICSL laboratory as part of a predisposition screen in an ostensibly healthy population. It had not been previously curated by ICSL or reported in the Human Gene Mutation Database (HGMD: prior to June 1st, 2018), and was therefore a candidate for classification through an automated scoring system. Utilizing variant allele frequency, disease prevalence and penetrance estimates, and inheritance mode, an automated score was calculated to assess if this variant is too frequent to cause the disease. Based on the score and internal cut-off values, a variant classified as benign is not then subjected to further curation. The score for this variant resulted in a classification of benign for this disease.

Breakthrough Genomics
Classification: Benign. Review status: criteria provided, single submitter. Criteria: ACMG Guidelines, 2015. Collection method: not provided. Allele origin: germline. Inheritance: Autosomal recessive inheritance. Affected: yes.